The following is an entry in ClinVar:

NM_004260.4(RECQL4):c.1943C>G (p.Thr648Ser)

Gene: RECQL4 (RecQ like helicase 4; minus strand). Cytogenetic location: 8q24.3.
Variant type: single nucleotide variant.
Coding change: c.1943C>G on transcript NM_004260.4 (MANE Select); coding-DNA position 1943, C replaced by G.
Protein change: p.Thr648Ser; replaces threonine 648 with serine.
Molecular consequence: missense variant. On other transcripts: non-coding transcript variant (3).
Genome position (GRCh38, 1-based): chr8:144,514,043, G>C on the plus strand (C>G on the coding strand, the complement: RECQL4 is on the minus strand). VCF-style: chr8-144514043-G-C. GRCh37 (hg19) VCF-style: chr8-145739427-G-C.
Other names: c.1847C>G, p.Thr616Ser (NM_001413017.1, NM_001413020.1); c.1943C>G, p.Thr648Ser (NM_001413018.1, NM_001413019.1, NM_001413036.1); c.872C>G, p.Thr291Ser (NM_001413021.1, NM_001413022.1, NM_001413023.1 and 6 more transcripts); c.1814C>G, p.Thr605Ser (NM_001413025.1); c.806C>G, p.Thr269Ser (NM_001413027.1, NM_001413030.1, NM_001413032.1 and 1 more transcripts); c.1592C>G, p.Thr531Ser (NM_001413029.1); c.674C>G, p.Thr225Ser (NM_001413031.1); c.1811C>G, p.Thr604Ser (NM_001413033.1); and 4 more; short protein forms T281S, T291S, T605S, T648S, T159S, T247S, T531S, T638S.
Identifiers: ClinVar variation 4152387 (VCV004152387.1).

ClinVar aggregate classification (germline): Uncertain significance (1 of 4 stars; one submission).

Conditions:
Inborn genetic diseases. Identifiers: MedGen C0950123, MeSH D030342.

Submission:

Ambry Genetics
Classification: Uncertain significance for Inborn genetic diseases. Last evaluated: 2025-07-20. Review status: criteria provided, single submitter. Criteria: Ambry Variant Classification Scheme 2023. Collection method: clinical testing. Allele origin: germline.
Comment: The p.T648S variant (also known as c.1943C>G), located in coding exon 12 of the RECQL4 gene, results from a C to G substitution at nucleotide position 1943. The threonine at codon 648 is replaced by serine, an amino acid with similar properties. This amino acid position is conserved. In addition, the in silico prediction for this alteration is inconclusive. Based on the available evidence, the clinical significance of this variant remains unclear.